The following is an entry in ClinVar:

NM_004260.4(RECQL4):c.3355A>T (p.Met1119Leu)

Gene: RECQL4 (RecQ like helicase 4; minus strand). Cytogenetic location: 8q24.3.
Variant type: single nucleotide variant.
Coding change: c.3355A>T on transcript NM_004260.4 (MANE Select); coding-DNA position 3355, A replaced by T.
Protein change: p.Met1119Leu; replaces methionine 1119 with leucine.
Molecular consequence: missense variant.
Genome position (GRCh38, 1-based): chr8:144,511,949, T>A on the plus strand (A>T on the coding strand, the complement: RECQL4 is on the minus strand). VCF-style: chr8-144511949-T-A. GRCh37 (hg19) VCF-style: chr8-145737332-T-A.
Other names: short protein forms M1119L.
Identifiers: ClinVar variation 1402362 (VCV001402362.6), dbSNP rs2130654418, ClinGen allele CA372668302.
Genomic context (GRCh38, chr8:144,511,949, plus strand): 5'-TGCCTGGCCTTACTGCACTCACTCTGGCCTGCCCTGGCTCGGGGCCCTGTGCGTCCTCCA[T>A]GCCTCCCGGCTCCTGCCCTTCCTCTTCCTCAAAGTAGCGGCCGAGCAGGTCCTTGAGCCT-3'
Protein context (NP_004251.4, residues 1109-1129): EEEEGQEPGG[Met1119Leu]EDAQGPEPGQ

ClinVar aggregate classification (germline): Uncertain significance (1 of 4 stars; one submission).

Conditions:
Baller-Gerold syndrome (BGS). Also called: CRANIOSYNOSTOSIS WITH RADIAL DEFECTS. Identifiers: Orphanet 1225, MedGen C0265308, MONDO:0009039, OMIM 218600.

Submission:

Labcorp Genetics (formerly Invitae), Labcorp
Classification: Uncertain significance for Baller-Gerold syndrome. Last evaluated: 2022-10-13. Review status: criteria provided, single submitter. Criteria: Invitae Variant Classification Sherloc (09022015). Collection method: clinical testing. Allele origin: germline.
Comment: This sequence change replaces methionine, which is neutral and non-polar, with leucine, which is neutral and non-polar, at codon 1119 of the RECQL4 protein (p.Met1119Leu). This variant is not present in population databases (gnomAD no frequency). This variant has not been reported in the literature in individuals affected with RECQL4-related conditions. ClinVar contains an entry for this variant (Variation ID: 1402362). Experimental studies and prediction algorithms are not available or were not evaluated, and the functional significance of this variant is currently unknown. In summary, the available evidence is currently insufficient to determine the role of this variant in disease. Therefore, it has been classified as a Variant of Uncertain Significance.